The following is an entry in ClinVar:

ClinVar aggregate classification (germline): Pathogenic (1 of 4 stars; one submission).

Conditions:
Biotin-responsive basal ganglia disease (BTBGD). Also called: Thiamine Transporter-2 Deficiency; THIAMINE METABOLISM DYSFUNCTION SYNDROME 2 (BIOTIN- AND THIAMINE-RESPONSIVE TYPE); Thiamine metabolism dysfunction syndrome type 2; Thiamine metabolism dysfunction syndrome 2 (biotin- or thiamine-responsive encephalopathy type 2); thiamine-responsive encephalopathy. Identifiers: Orphanet 199348, Orphanet 65284, MedGen C1843807, MONDO:0011841, OMIM 607483.

Submission:

Labcorp Genetics (formerly Invitae), Labcorp
Classification: Pathogenic for Biotin-responsive basal ganglia disease. Last evaluated: 2023-02-23. Review status: criteria provided, single submitter. Criteria: Invitae Variant Classification Sherloc (09022015). Collection method: clinical testing. Allele origin: germline.
Comment: For these reasons, this variant has been classified as Pathogenic. This variant has not been reported in the literature in individuals affected with SLC19A3-related conditions. This variant is not present in population databases (gnomAD no frequency). This sequence change creates a premature translational stop signal (p.Gln159*) in the SLC19A3 gene. It is expected to result in an absent or disrupted protein product. Loss-of-function variants in SLC19A3 are known to be pathogenic (PMID: 23423671, 23482991).

Literature cited by the submitters: PubMed 23423671; PubMed 23482991.

NM_025243.4(SLC19A3):c.475C>T (p.Gln159Ter)

Gene: SLC19A3 (solute carrier family 19 member 3; minus strand). Cytogenetic location: 2q36.3.
Variant type: single nucleotide variant.
Coding change: c.475C>T on transcript NM_025243.4 (MANE Select); coding-DNA position 475, C replaced by T.
Protein change: p.Gln159Ter; replaces glutamine 159 with a stop codon.
Molecular consequence: nonsense.
Genome position (GRCh38, 1-based): chr2:227,699,240, G>A on the plus strand (C>T on the coding strand, the complement: SLC19A3 is on the minus strand). VCF-style: chr2-227699240-G-A. GRCh37 (hg19) VCF-style: chr2-228563956-G-A.
Other names: c.463C>T, p.Gln155Ter (NM_001371414.1, NM_001371413.1); c.475C>T, p.Gln159Ter (NM_001371411.1, NM_001371412.1); short protein forms Q155*, Q159*.
Identifiers: ClinVar variation 2840270 (VCV002840270.3), dbSNP rs2470573909, ClinGen allele CA350877145.
Genomic context (GRCh38, chr2:227,699,240, plus strand): 5'-AGGCCAAGGATATGACGTTGAGGTAAAAGTACGACATGTTCGCCAGGGATACCAAGAGTT[G>A]AGCCAGCACCGACCCTGCTGTGTAGGCGGCCAGCGTGACGCTCCTGCAGTAGCCGCTCAC-3'